The following is an entry in ClinVar:

ClinVar aggregate classification (germline): Uncertain significance. Review status: criteria provided, multiple submitters, no conflicts (2 of 4 stars). 14 submissions from 13 submitters: Uncertain significance (11). 3 of the submissions do not count toward it. Last evaluated 2025-08-26.

Conditions:
NBN-related disorder. Also called: NBN-related condition.
Hereditary cancer-predisposing syndrome. Also called: Neoplastic Syndromes, Hereditary; Tumor predisposition; Hereditary neoplastic syndrome; Hereditary Cancer Syndrome. Identifiers: Orphanet 140162, MedGen C0027672, MeSH D009386, MONDO:0015356.
Acute lymphoid leukemia (ALL). Also called: Acute lymphoblastic leukemia; Acute lymphocytic leukemia; Leukemia, acute lymphoblastic, somatic; Lymphoblastic leukemia. Identifiers: Orphanet 513, MedGen C0023449, MONDO:0004967, OMIM 613065, HP:0006721.
Microcephaly, normal intelligence and immunodeficiency (NBS). Also called: Immunodeficiency, microcephaly with normal intelligence; IMMUNODEFICIENCY, MICROCEPHALY, AND CHROMOSOMAL INSTABILITY; Ataxia telangiectasia variant V1; Nijmegen breakage syndrome; Microcephaly with normal intelligence immunodeficiency and lymphoreticular malignancies; Nonsyndromal microcephaly autosomal recessive with normal intelligence. Identifiers: Orphanet 647, MedGen C0398791, MONDO:0009623, OMIM 251260.
Aplastic anemia. Identifiers: Orphanet 182040, Orphanet 88, MedGen C0002874, MONDO:0015909, OMIM 609135, HP:0001915.
Hereditary breast ovarian cancer syndrome. Also called: Hereditary breast and/or ovarian cancer syndrome; Hereditary breast and ovarian cancer syndrome; Hereditary breast and ovarian cancer; Hereditary breast and ovarian cancer syndrome (HBOC); Breast and ovarian cancer; BRCA1- and BRCA2-Associated Hereditary Breast and Ovarian Cancer. Identifiers: Orphanet 145, MedGen C0677776, MeSH D061325, MONDO:0003582. Disease mechanism: loss of function.
Malignant tumor of breast. Also called: Malignant breast neoplasm; Cancer breast. Identifiers: MedGen C0006142, MONDO:0007254. Disease mechanism: loss of function.

Submissions (14):

Ambry Genetics
Classification: Uncertain significance for Hereditary cancer-predisposing syndrome. Last evaluated: 2025-08-26. Review status: criteria provided, single submitter. Criteria: Ambry Variant Classification Scheme 2023. Collection method: clinical testing. Allele origin: germline.
Comment: The c.353_355delCTT variant (also known as p.S118del) is located in coding exon 4 of the NBN gene. This variant results from an in-frame CTT deletion of nucleotide positions 353 to 355. This results in the in-frame deletion of a serine residue at codon 118. This amino acid position is highly conserved in available vertebrate species. In addition, this alteration is predicted to be deleterious by in silico analysis (Choi Y et al. PLoS ONE. 2012; 7(10):e46688). Since supporting evidence is limited at this time, the clinical significance of this alteration remains unclear.

Quest Diagnostics Nichols Institute San Juan Capistrano
Classification: Uncertain significance. Last evaluated: 2025-02-05. Review status: criteria provided, single submitter. Criteria: Quest Diagnostics criteria. Collection method: clinical testing. Allele origin: unknown.
Comment: The NBN c.353_355del (p.Ser118del) variant has been reported in the published literature in individuals with breast cancer (PMIDs: 32885271 (2021), (2022)). The frequency of this variant in the general population (Genome Aggregation Database) is uninformative in the assessment of its pathogenicity. Based on the available information, we are unable to determine the clinical significance of this variant.

Labcorp Genetics (formerly Invitae), Labcorp
Classification: Uncertain significance for Microcephaly, normal intelligence and immunodeficiency. Last evaluated: 2025-01-26. Review status: criteria provided, single submitter. Criteria: Invitae Variant Classification Sherloc (09022015). Collection method: clinical testing. Allele origin: germline.
Comment: This variant, c.353_355del, results in the deletion of 1 amino acid(s) of the NBN protein (p.Ser118del), but otherwise preserves the integrity of the reading frame. This variant is present in population databases (rs730881841, gnomAD 0.01%). This variant has been observed in individual(s) with breast cancer (PMID: 32885271, 35402282). RNA analysis performed to evaluate the impact of this variant on mRNA splicing indicates it does not significantly alter splicing (internal data). In summary, the available evidence is currently insufficient to determine the role of this variant in disease. Therefore, it has been classified as a Variant of Uncertain Significance.

PreventionGenetics, part of Exact Sciences
Classification: Uncertain significance for NBN-related condition. Last evaluated: 2024-11-19. Review status: criteria provided, single submitter. Criteria: ACMG Guidelines, 2015. Collection method: clinical testing. Allele origin: germline.
Comment: The NBN c.353_355delCTT variant is predicted to result in an in-frame deletion (p.Ser118del). This variant has been reported as uncertain in individuals with breast cancer (patient P1792 in Supplemental Material, Lerner-Ellis et al. 2020. PubMed ID: 32885271; Abdel-Razeq et al. 2022. PubMed ID: 35402282). This variant is reported in 0.012% of alleles in individuals of African descent in gnomAD and is interpreted as uncertain in ClinVar. At this time, the clinical significance of this variant is uncertain due to the absence of conclusive functional and genetic evidence.

Baylor Genetics
Classification: Uncertain significance for Aplastic anemia. Last evaluated: 2023-09-27. Review status: criteria provided, single submitter. Criteria: ACMG Guidelines, 2015. Collection method: clinical testing. Allele origin: unknown.

Fulgent Genetics
Classification: Uncertain significance for Microcephaly, normal intelligence and immunodeficiency; Aplastic anemia; Acute lymphoid leukemia. Last evaluated: 2022-05-12. Review status: criteria provided, single submitter. Criteria: ACMG Guidelines, 2015. Collection method: clinical testing. Allele origin: unknown.

GeneDx
Classification: Uncertain significance. Last evaluated: 2021-06-28. Review status: criteria provided, single submitter. Criteria: GeneDx Variant Classification Process June 2021. Collection method: clinical testing. Allele origin: germline. Affected: yes.
Comment: In-frame deletion of 1 amino acid in a non-repeat region; In silico analysis supports a deleterious effect on protein structure/function; Has not been previously published as pathogenic or benign to our knowledge; This variant is associated with the following publications: (PMID: 27535533, 24894818, 31422574)

Department of Pathology and Laboratory Medicine, Sinai Health System
Classification: Uncertain significance for Hereditary breast ovarian cancer syndrome. Last evaluated: 2018-12-13. Review status: criteria provided, single submitter. Criteria: ACMG Guidelines, 2015. Collection method: clinical testing. Allele origin: germline. Affected: yes.

Department of Genetics, Sultan Qaboos University Hospital
Classification: Uncertain significance for Microcephaly, normal intelligence and immunodeficiency. Last evaluated: 2017-12-30. Review status: criteria provided, single submitter. Criteria: ACMG Guidelines, 2015. Collection method: curation. Allele origin: unknown. Affected: yes.

Eurofins Ntd Llc (ga)
Classification: Uncertain significance. Last evaluated: 2016-09-09. Review status: criteria provided, single submitter. Criteria: EGL Classification Definitions 2015. Collection method: clinical testing. Allele origin: germline. Observed: 1 variant allele, 1 heterozygote.

Breakthrough Genomics
Classification: Uncertain significance. Review status: criteria provided, single submitter. Criteria: ACMG Guidelines, 2015. Collection method: not provided. Allele origin: germline. Inheritance: Autosomal recessive inheritance. Affected: yes.

Natera, Inc.
Classification: Uncertain significance for Nijmegen breakage syndrome. Last evaluated: 2020-03-13. Review status: no assertion criteria provided. Collection method: clinical testing. Allele origin: germline. Not counted in ClinVar's aggregate classification.

Counsyl
Classification: Uncertain significance for Microcephaly, normal intelligence and immunodeficiency. Last evaluated: 2016-12-23. Review status: no assertion criteria provided. Collection method: clinical testing. Allele origin: unknown. Not counted in ClinVar's aggregate classification.

Department of Pathology and Laboratory Medicine, Sinai Health System
Classification: Uncertain significance for Malignant tumor of breast. Review status: no assertion criteria provided. Collection method: clinical testing. Allele origin: unknown. Affected: yes. Study: The Canadian Open Genetics Repository (COGR). Not counted in ClinVar's aggregate classification.
Comment: The NBN p.Ser118del variant was not identified in the literature nor was it identified in the LOVD 3.0 database. The variant was identified in dbSNP (ID: rs730881841) and in ClinVar (classified as uncertain significance by Invitae, GeneDx, Ambry Genetics and three other submitters). The variant was not identified in the following control databases: the Exome Aggregation Consortium (August 8th 2016) or the Genome Aggregation Database (Feb 27, 2017). This variant is an in-frame deletion resulting in the removal of a Serine (Ser) residue at codon 118; the impact of this alteration on NBN protein function is not known. In summary, based on the above information, the clinical significance of this variant cannot be determined with certainty at this time. This variant is classified as a variant of uncertain significance.

Literature cited by the submitters: PubMed 35402282 (cited by Quest Diagnostics Nichols Institute San Juan Capistrano and Labcorp Genetics (formerly Invitae), Labcorp); PubMed 32885271 (cited by Quest Diagnostics Nichols Institute San Juan Capistrano and Labcorp Genetics (formerly Invitae), Labcorp).

NM_002485.5(NBN):c.350CTT[1] (p.Ser118del)

Gene: NBN (nibrin; minus strand). Cytogenetic location: 8q21.3.
Variant type: Microsatellite.
Coding change: c.350CTT[1] on transcript NM_002485.5 (MANE Select); one copy of the 3-base unit CTT starting at c.350; the reference has two copies in a row; one copy, 3 bases deleted; also written c.353_355del.
Protein change: p.Ser118del; deletes serine 118.
Molecular consequence: inframe deletion.
Genome position (GRCh38, 1-based): chr8:89,980,859-89,980,861, AAG deleted on the plus strand (CTT on the coding strand, the reverse complement: NBN is on the minus strand); deleting any 3 consecutive bases within chr8:89,980,859-89,980,865 gives the same sequence; the position shown is the placement nearest the transcript's 3' end. VCF-style (leftmost placement, unchanged base first): chr8-89980858-CAAG-C. GRCh37 (hg19) VCF-style: chr8-90993086-CAAG-C.
Other names: c.104CTT[1], p.Ser36del (NM_001024688.3); c.353_355del (NM_002485.5); c.353_355delCTT (NM_002485.4); short protein forms S118del, S36del.
Identifiers: ClinVar variation 182704 (VCV000182704.38), dbSNP rs730881841, ClinGen allele CA299576.